The following is an entry in ClinVar:

NM_000814.6(GABRB3):c.756G>A (p.Met252Ile)

Gene: GABRB3 (gamma-aminobutyric acid type A receptor subunit beta3; minus strand). Cytogenetic location: 15q12.
Variant type: single nucleotide variant.
Coding change: c.756G>A on transcript NM_000814.6 (MANE Select); coding-DNA position 756, G replaced by A.
Protein change: p.Met252Ile; replaces methionine 252 with isoleucine.
Molecular consequence: missense variant.
Genome position (GRCh38, 1-based): chr15:26,567,660, C>T on the plus strand (G>A on the coding strand, the complement: GABRB3 is on the minus strand). VCF-style: chr15-26567660-C-T. GRCh37 (hg19) VCF-style: chr15-26812807-C-T.
Other names: c.501G>A, p.Met167Ile (NM_001191320.2, NM_001278631.2); c.543G>A, p.Met181Ile (NM_001191321.3); c.756G>A, p.Met252Ile (NM_021912.5); short protein forms M167I, M181I, M252I.
Identifiers: ClinVar variation 1810008 (VCV001810008.3), dbSNP rs2504172418, ClinGen allele CA391463235.
Genomic context (GRCh38, chr15:26,567,660, plus strand): 5'-AGATGCATCATAATTGATCCAGAAGGACACCCACGACAGAATCGTTATCAGTATAGAGGG[C>T]ATATAAGTCTGAAGAATGAAGTATCCAATGTTCCTCTTCAACCGAAAGCTCAGTGACAGT-3'
Protein context (NP_000805.1, residues 242-262): NIGYFILQTY[Met252Ile]PSILITILSW

ClinVar aggregate classification (germline): Conflicting classifications of pathogenicity. Review status: criteria provided, conflicting classifications (1 of 4 stars). 2 submissions from 2 submitters: Likely pathogenic (1); Uncertain significance (1). Last evaluated 2024-10-04.

Conditions:
Epilepsy. Also called: Seizure disorder. Identifiers: MedGen C0014544, MeSH D004827, MONDO:0005027.

Submissions (2):

Dubai Health Genomic Medicine Center, Dubai Health
Classification: Likely pathogenic for Epilepsy. Last evaluated: 2024-10-04. Review status: criteria provided, single submitter. Criteria: ACMG Guidelines, 2015. Collection method: research. Allele origin: germline. Affected: yes.
Comment: PM2,PP3,PS2,PM1

GeneDx
Classification: Uncertain significance. Last evaluated: 2023-02-23. Review status: criteria provided, single submitter. Criteria: GeneDx Variant Classification Process June 2021. Collection method: clinical testing. Allele origin: germline. Affected: yes.
Comment: Not observed at significant frequency in large population cohorts (gnomAD); In silico analysis supports that this missense variant does not alter protein structure/function; Has not been previously published as pathogenic or benign to our knowledge